The following is an entry in ClinVar:

ClinVar aggregate classification (germline): Benign (1 of 4 stars; one submission).

Conditions:
Achondrogenesis, type IA (ACG1A). Identifiers: Orphanet 932, Orphanet 93299, MedGen C0265273, MONDO:0008701, OMIM 200600.

Allele frequency attached by ClinVar (database versions not stated): gnomAD exomes 0.00108; 1000 Genomes Project 0.00499; 1000 Genomes Project 30x 0.00562; gnomAD 0.00662 and 0.00717; TOPMed 0.00740.
gnomAD v4.1: 1,069 of 221,782 alleles (0.48%); highest among the groups gnomAD compares: African/African-American, 2.3%; 14 homozygotes.

Submission:

Illumina Laboratory Services, Illumina
Classification: Benign for Achondrogenesis, type IA. Last evaluated: 2018-01-13. Review status: criteria provided, single submitter. Criteria: ICSL Variant Classification Criteria 13 December 2019. Collection method: clinical testing. Allele origin: germline.
Comment: This variant was observed in the ICSL laboratory as part of a predisposition screen in an ostensibly healthy population. It had not been previously curated by ICSL or reported in the Human Gene Mutation Database (HGMD: prior to June 1st, 2018), and was therefore a candidate for classification through an automated scoring system. Utilizing variant allele frequency, disease prevalence and penetrance estimates, and inheritance mode, an automated score was calculated to assess if this variant is too frequent to cause the disease. Based on the score and internal cut-off values, a variant classified as benign is not then subjected to further curation. The score for this variant resulted in a classification of benign for this disease.

NM_004239.4(TRIP11):c.*664C>T

Gene: TRIP11 (thyroid hormone receptor interactor 11; minus strand). Cytogenetic location: 14q32.12.
Variant type: single nucleotide variant.
Coding change: c.*664C>T on transcript NM_004239.4 (MANE Select); 664 bases downstream of the stop codon, C replaced by T.
Molecular consequence: 3 prime UTR variant.
Genome position (GRCh38, 1-based): chr14:91,969,009, G>A on the plus strand (C>T on the coding strand, the complement: TRIP11 is on the minus strand). VCF-style: chr14-91969009-G-A. GRCh37 (hg19) VCF-style: chr14-92435353-G-A.
Other names: c.*664C>T (NM_001321851.1).
Identifiers: ClinVar variation 884358 (VCV000884358.4), dbSNP rs138892598, ClinGen allele CA265632317.